The following is an entry in ClinVar:

NM_001111.5(ADAR):c.3473A>T (p.Lys1158Ile)

Gene: ADAR (adenosine deaminase RNA specific; minus strand). Cytogenetic location: 1q21.3.
Variant type: single nucleotide variant.
Coding change: c.3473A>T on transcript NM_001111.5 (MANE Select); coding-DNA position 3473, A replaced by T.
Protein change: p.Lys1158Ile; replaces lysine 1158 with isoleucine.
Molecular consequence: missense variant.
Genome position (GRCh38, 1-based): chr1:154,585,014, T>A on the plus strand (A>T on the coding strand, the complement: ADAR is on the minus strand). VCF-style: chr1-154585014-T-A. GRCh37 (hg19) VCF-style: chr1-154557490-T-A.
Other names: c.2588A>T, p.Lys863Ile (NM_001025107.3, NM_001193495.2, NM_001365046.1 and 2 more transcripts); c.3500A>T, p.Lys1167Ile (NM_001365045.1); c.2510A>T, p.Lys837Ile (NM_001365049.1); c.3395A>T, p.Lys1132Ile (NM_015840.4); c.3338A>T, p.Lys1113Ile (NM_015841.4); short protein forms K1113I, K1132I, K1158I, K1167I, K837I, K863I.
Identifiers: ClinVar variation 3758414 (VCV003758414.2).

ClinVar aggregate classification (germline): Uncertain significance (1 of 4 stars; one submission).

Conditions:
Symmetrical dyschromatosis of extremities (DSH). Also called: DYSCHROMATOSIS SYMMETRICA HEREDITARIA 1; RETICULATE ACROPIGMENTATION OF DOHI; SYMMETRIC DYSCHROMATOSIS OF THE EXTREMITIES; Dyschromatosis symmetrica hereditaria. Identifiers: Orphanet 41, MedGen C0406775, MONDO:0007483, OMIM 127400.
Aicardi-Goutieres syndrome 6 (AGS6). Identifiers: Orphanet 51, MedGen C3539013, MONDO:0014007, OMIM 615010.

Submission:

Labcorp Genetics (formerly Invitae), Labcorp
Classification: Uncertain significance for Aicardi-Goutieres syndrome 6; Symmetrical dyschromatosis of extremities. Last evaluated: 2024-09-14. Review status: criteria provided, single submitter. Criteria: Invitae Variant Classification Sherloc (09022015). Collection method: clinical testing. Allele origin: germline.
Comment: This sequence change replaces lysine, which is basic and polar, with isoleucine, which is neutral and non-polar, at codon 1158 of the ADAR protein (p.Lys1158Ile). This variant is not present in population databases (gnomAD no frequency). This variant has not been reported in the literature in individuals affected with ADAR-related conditions. Invitae Evidence Modeling of protein sequence and biophysical properties (such as structural, functional, and spatial information, amino acid conservation, physicochemical variation, residue mobility, and thermodynamic stability) indicates that this missense variant is not expected to disrupt ADAR protein function with a negative predictive value of 80%. In summary, the available evidence is currently insufficient to determine the role of this variant in disease. Therefore, it has been classified as a Variant of Uncertain Significance.